The following is an entry in ClinVar:

NM_000548.5(TSC2):c.603G>C (p.Met201Ile)

Gene: TSC2 (TSC complex subunit 2; plus strand). Cytogenetic location: 16p13.3.
Variant type: single nucleotide variant.
Coding change: c.603G>C on transcript NM_000548.5 (MANE Select); coding-DNA position 603, G replaced by C.
Protein change: p.Met201Ile; replaces methionine 201 with isoleucine.
Molecular consequence: missense variant. On other transcripts: initiator codon variant (1).
Genome position (GRCh38, 1-based): chr16:2,056,199, G>C. VCF-style: chr16-2056199-G-C. GRCh37 (hg19) VCF-style: chr16-2106200-G-C.
Other names: c.603G>C, p.Met201Ile (NM_001077183.3, NM_001114382.3, NM_001363528.2 and 3 more transcripts); c.492G>C, p.Met164Ile (NM_001318827.2); c.456G>C, p.Met152Ile (NM_001318829.2); c.3G>C, p.Met1Ile (NM_001318831.2); c.636G>C, p.Met212Ile (NM_001318832.2); short protein forms M201I, M212I, M164I, M1I, M152I.
Identifiers: ClinVar variation 49882 (VCV000049882.18), dbSNP rs45506197, ClinGen allele CA022680.

ClinVar aggregate classification (germline): Conflicting classifications of pathogenicity. Review status: criteria provided, conflicting classifications (1 of 4 stars). 6 submissions from 6 submitters: Uncertain significance (3); Benign (1); Likely benign (1). 1 of the submissions does not count toward it. Last evaluated 2025-12-23.

Conditions:
Tuberous sclerosis syndrome (TSC). Also called: Tuberous Sclerosis Complex; Tuberous sclerosis. Identifiers: Orphanet 805, MedGen C0041341, MONDO:0001734.
Tuberous sclerosis 2 (TSC2). Identifiers: Orphanet 805, MedGen C1860707, MONDO:0013199, OMIM 613254.
Hereditary cancer-predisposing syndrome. Also called: Neoplastic Syndromes, Hereditary; Tumor predisposition; Hereditary Cancer Syndrome; Hereditary neoplastic syndrome. Identifiers: Orphanet 140162, MedGen C0027672, MeSH D009386, MONDO:0015356.

Allele frequency attached by ClinVar (database versions not stated): gnomAD 0.00001; TOPMed 0.00001.
gnomAD v4.1: 1 of 1,613,830 alleles (0.000062%); highest among the groups gnomAD compares: African/African-American, 0.0013%; no homozygotes.

Submissions (6):

Labcorp Genetics (formerly Invitae), Labcorp
Classification: Benign for Tuberous sclerosis 2. Last evaluated: 2025-12-23. Review status: criteria provided, single submitter. Criteria: Invitae Variant Classification Sherloc (09022015). Collection method: clinical testing. Allele origin: germline.

Ambry Genetics
Classification: Likely benign for Hereditary cancer-predisposing syndrome. Last evaluated: 2025-01-20. Review status: criteria provided, single submitter. Criteria: Ambry Variant Classification Scheme 2023. Collection method: clinical testing. Allele origin: germline.

All of Us Research Program, National Institutes of Health
Classification: Uncertain significance for Tuberous sclerosis syndrome. Last evaluated: 2024-06-11. Review status: criteria provided, single submitter. Criteria: ACMG Guidelines, 2015. Collection method: clinical testing. Allele origin: germline. Inheritance: Autosomal dominant inheritance. Observed: 3 variant alleles, 3 heterozygotes.
Comment: This missense variant replaces methionine with isoleucine at codon 201 of the TSC2 protein. Computational prediction suggests that this variant may not impact protein structure and function (internally defined REVEL score threshold <= 0.5, PMID: 27666373). To our knowledge, functional studies have not been reported for this variant. This variant has not been reported in individuals affected with tuberous sclerosis complex in the literature. This variant has not been identified in the general population by the Genome Aggregation Database (gnomAD). The available evidence is insufficient to determine the role of this variant in disease conclusively. Therefore, this variant is classified as a Variant of Uncertain Significance.

This study involves interpretation of variants in research participants for the purpose of population health screening. Participant phenotype was not available at the time of variant classification. Additional details can be found in publication PMID: 35346344, PMCID: PMC8962531

Color Diagnostics, LLC DBA Color Health
Classification: Uncertain significance for Tuberous sclerosis syndrome. Last evaluated: 2024-04-03. Review status: criteria provided, single submitter. Criteria: ACMG Guidelines, 2015. Collection method: clinical testing. Allele origin: germline.
Comment: This missense variant replaces methionine with isoleucine at codon 201 of the TSC2 protein. Computational prediction suggests that this variant may not impact protein structure and function. To our knowledge, functional studies have not been reported for this variant. This variant has not been reported in individuals affected with tuberous sclerosis complex in the literature. This variant has not been identified in the general population by the Genome Aggregation Database (gnomAD). The available evidence is insufficient to determine the role of this variant in disease conclusively. Therefore, this variant is classified as a Variant of Uncertain Significance.

Genome-Nilou Lab
Classification: Uncertain significance for Tuberous sclerosis 2. Last evaluated: 2021-11-07. Review status: criteria provided, single submitter. Criteria: ACMG Guidelines, 2015. Collection method: clinical testing. Allele origin: germline. Affected: no.

Tuberous sclerosis database (TSC2)
No classification provided. Condition: TSC. Review status: no classification provided. Criteria: Tuberous Sclerosis Database Assertion Criteria 2015. Collection method: curation. Allele origin: germline. Affected: yes. Not counted in ClinVar's aggregate classification.